The following is an entry in ClinVar:

NM_030973.4(MED25):c.145G>T (p.Gly49Cys)

Gene: MED25 (mediator complex subunit 25; plus strand). Cytogenetic location: 19q13.33.
Variant type: single nucleotide variant.
Coding change: c.145G>T on transcript NM_030973.4 (MANE Select); coding-DNA position 145, G replaced by T.
Protein change: p.Gly49Cys; replaces glycine 49 with cysteine.
Molecular consequence: missense variant.
Genome position (GRCh38, 1-based): chr19:49,818,581, G>T. VCF-style: chr19-49818581-G-T. GRCh37 (hg19) VCF-style: chr19-50321838-G-T.
Other names: c.145G>T, p.Gly49Cys (NM_001378355.1); short protein forms G49C.
Identifiers: ClinVar variation 657521 (VCV000657521.9), dbSNP rs780112917, ClinGen allele CA9584737.
Genomic context (GRCh38, chr19:49,818,581, plus strand): 5'-TTCGCACAGTTTCTTGCCTGACTCCGACCTTTCACTTCCTACCCTCACAGGTATTTTAAT[G>T]GTGGTCCTCCTGCTGAGACGGACTTCGGGGGAGACGTGAGTCTAGGGACTCCTGGGCCTG-3'
Protein context (NP_112235.2, residues 39-59): YLLPAIEYFN[Gly49Cys]GPPAETDFGG

ClinVar aggregate classification (germline): Uncertain significance. Review status: criteria provided, multiple submitters, no conflicts (2 of 4 stars). 2 submissions from 2 submitters: Uncertain significance (2). Last evaluated 2026-09-02.

Conditions:
Inborn genetic diseases. Identifiers: MedGen C0950123, MeSH D030342.
Charcot-Marie-Tooth disease type 2. Also called: Charcot-Marie-Tooth type 2. Identifiers: Orphanet 64746, MedGen C0270914, MONDO:0018993.

Allele frequency attached by ClinVar (database versions not stated): gnomAD exomes below 0.00001 and 0.00003; gnomAD 0.00001; ExAC 0.00002.
gnomAD v4.1: 13 of 1,614,050 alleles (0.00081%); highest among the groups gnomAD compares: Middle Eastern, 0.033%; no homozygotes.

Submissions (2):

Ambry Genetics
Classification: Uncertain significance for Inborn genetic diseases. Last evaluated: 2026-09-02. Review status: criteria provided, single submitter. Criteria: Ambry Variant Classification Scheme 2023. Collection method: clinical testing. Allele origin: germline.

Labcorp Genetics (formerly Invitae), Labcorp
Classification: Uncertain significance for Charcot-Marie-Tooth disease type 2. Last evaluated: 2023-07-14. Review status: criteria provided, single submitter. Criteria: Invitae Variant Classification Sherloc (09022015). Collection method: clinical testing. Allele origin: germline.
Comment: In summary, the available evidence is currently insufficient to determine the role of this variant in disease. Therefore, it has been classified as a Variant of Uncertain Significance. An algorithm developed to predict the effect of missense changes on protein structure and function (PolyPhen-2) suggests that this variant is likely to be disruptive. ClinVar contains an entry for this variant (Variation ID: 657521). This variant has not been reported in the literature in individuals affected with MED25-related conditions. This variant is present in population databases (rs780112917, gnomAD 0.02%). This sequence change replaces glycine, which is neutral and non-polar, with cysteine, which is neutral and slightly polar, at codon 49 of the MED25 protein (p.Gly49Cys).